The following is an entry in ClinVar:

ClinVar aggregate classification (germline): Uncertain significance. Review status: criteria provided, multiple submitters, no conflicts (2 of 4 stars). 3 submissions from 3 submitters: Uncertain significance (2). 1 of the submissions does not count toward it. Last evaluated 2026-01-05.

Conditions:
PPP1R15B-related disorder. Also called: PPP1R15B-related condition.

Allele frequency attached by ClinVar (database versions not stated): 1000 Genomes Project 0.00020; 1000 Genomes Project 30x 0.00031; TOPMed 0.00075; gnomAD exomes 0.00077 and 0.00162; ExAC 0.00080; gnomAD 0.00088 and 0.00091; ESP Exome Variant Server 0.00123.
gnomAD v4.1: 2,445 of 1,614,168 alleles (0.15%); highest among the groups gnomAD compares: Non-Finnish European, 0.2%; 8 homozygotes.

Submissions (3):

Labcorp Genetics (formerly Invitae), Labcorp
Classification: Uncertain significance. Last evaluated: 2026-01-05. Review status: criteria provided, single submitter. Criteria: Invitae Variant Classification Sherloc (09022015). Collection method: clinical testing. Allele origin: germline.
Comment: This sequence change replaces glutamic acid, which is acidic and polar, with aspartic acid, which is acidic and polar, at codon 469 of the PPP1R15B protein (p.Glu469Asp). This variant is present in population databases (rs141538150, gnomAD 0.2%), and has an allele count higher than expected for a pathogenic variant. This variant has not been reported in the literature in individuals affected with PPP1R15B-related conditions. ClinVar contains an entry for this variant (Variation ID: 1336154). Invitae Evidence Modeling of protein sequence and biophysical properties (such as structural, functional, and spatial information, amino acid conservation, physicochemical variation, residue mobility, and thermodynamic stability) indicates that this missense variant is not expected to disrupt PPP1R15B protein function with a negative predictive value of 80%. In summary, the available evidence is currently insufficient to determine the role of this variant in disease. Therefore, it has been classified as a Variant of Uncertain Significance.

Genetic Services Laboratory, University of Chicago
Classification: Uncertain significance. Last evaluated: 2020-06-03. Review status: criteria provided, single submitter. Criteria: ACMG Guidelines, 2015. Collection method: clinical testing. Allele origin: germline. Affected: no.

PreventionGenetics, part of Exact Sciences
Classification: Likely benign for PPP1R15B-related condition. Last evaluated: 2024-04-23. Review status: no assertion criteria provided. Collection method: clinical testing. Allele origin: germline. Not counted in ClinVar's aggregate classification.
Comment: This variant is classified as likely benign based on ACMG/AMP sequence variant interpretation guidelines (Richards et al. 2015 PMID: 25741868, with internal and published modifications).

NM_032833.5(PPP1R15B):c.1407A>T (p.Glu469Asp)

Gene: PPP1R15B (protein phosphatase 1 regulatory subunit 15B; minus strand). Cytogenetic location: 1q32.1.
Variant type: single nucleotide variant.
Coding change: c.1407A>T on transcript NM_032833.5 (MANE Select); coding-DNA position 1407, A replaced by T.
Protein change: p.Glu469Asp; replaces glutamic acid 469 with aspartic acid.
Molecular consequence: missense variant.
Genome position (GRCh38, 1-based): chr1:204,410,005, T>A on the plus strand (A>T on the coding strand, the complement: PPP1R15B is on the minus strand). VCF-style: chr1-204410005-T-A. GRCh37 (hg19) VCF-style: chr1-204379133-T-A.
Other names: short protein forms E469D.
Identifiers: ClinVar variation 1336154 (VCV001336154.10), dbSNP rs141538150, ClinGen allele CA1346641.